The following is an entry in ClinVar:

NM_153717.3(EVC):c.385-1G>A

Gene: EVC (EvC ciliary complex subunit 1; plus strand). Cytogenetic location: 4p16.2.
Variant type: single nucleotide variant.
Coding change: c.385-1G>A on transcript NM_153717.3 (MANE Select); the canonical splice acceptor site of the intron before coding-DNA position 385, G replaced by A.
Molecular consequence: splice acceptor variant.
Genome position (GRCh38, 1-based): chr4:5,731,424, G>A. VCF-style: chr4-5731424-G-A. GRCh37 (hg19) VCF-style: chr4-5733151-G-A.
Other names: c.385-1G>A (NM_001306090.2, NM_001306092.2).
Identifiers: ClinVar variation 2022095 (VCV002022095.4), dbSNP rs2474666866, ClinGen allele CA356142468.
Genomic context (GRCh38, chr4:5,731,424, plus strand): 5'-ATACTAGATCAAATCCCAGAGGCATCACATGGACTGAGTGTGACTCCTACTGCCACCCCA[G>A]CCTCTGGCCGATGGCTCCTCCAACCCGTCTCTGCATGAAAACTTAAAGCAGGCTGTTTTG-3'

ClinVar aggregate classification (germline): Likely pathogenic (1 of 4 stars; one submission).

Conditions:
Ellis-van Creveld syndrome (EVC). Also called: EVC-Related Ellis-van Creveld Syndrome; EVC2-Related Ellis-van Creveld Syndrome; MESOECTODERMAL DYSPLASIA; Chondroectodermal dysplasia. Identifiers: Orphanet 289, MedGen C0013903, MONDO:0009162, OMIM 225500.
Curry-Hall syndrome (WAD). Also called: WEYERS ACRODENTAL DYSOSTOSIS. Identifiers: Orphanet 952, MedGen C0457013, MONDO:0008673, OMIM 193530.

Allele frequency attached by ClinVar (database versions not stated): gnomAD exomes 0.00001.
gnomAD v4.1: 3 of 1,612,954 alleles (0.00019%); highest among the groups gnomAD compares: South Asian, 0.0033%; no homozygotes.

Submission:

Labcorp Genetics (formerly Invitae), Labcorp
Classification: Likely pathogenic for Curry-Hall syndrome; Ellis-van Creveld syndrome. Last evaluated: 2024-02-23. Review status: criteria provided, single submitter. Criteria: Invitae Variant Classification Sherloc (09022015). Collection method: clinical testing. Allele origin: germline.
Comment: This sequence change affects an acceptor splice site in intron 3 of the EVC gene. It is expected to disrupt RNA splicing. Variants that disrupt the donor or acceptor splice site typically lead to a loss of protein function (PMID: 16199547), and loss-of-function variants in EVC are known to be pathogenic (PMID: 23220543). This variant is not present in population databases (gnomAD no frequency). This variant has not been reported in the literature in individuals affected with EVC-related conditions. ClinVar contains an entry for this variant (Variation ID: 2022095). Algorithms developed to predict the effect of sequence changes on RNA splicing suggest that this variant may disrupt the consensus splice site. In summary, the currently available evidence indicates that the variant is pathogenic, but additional data are needed to prove that conclusively. Therefore, this variant has been classified as Likely Pathogenic.

Literature cited by the submitters: PubMed 16199547; PubMed 23220543.